The following is an entry in ClinVar:

ClinVar aggregate classification (germline): Uncertain significance (1 of 4 stars; one submission).

Allele frequency attached by ClinVar (database versions not stated): gnomAD 0.00003; ExAC 0.00004; ESP Exome Variant Server 0.00015.
gnomAD v4.1: 58 of 1,613,832 alleles (0.0036%); highest among the groups gnomAD compares: Non-Finnish European, 0.0046%; no homozygotes.

Submission:

Labcorp Genetics (formerly Invitae), Labcorp
Classification: Uncertain significance. Last evaluated: 2023-10-07. Review status: criteria provided, single submitter. Criteria: Invitae Variant Classification Sherloc (09022015). Collection method: clinical testing. Allele origin: germline.
Comment: This sequence change replaces arginine, which is basic and polar, with histidine, which is basic and polar, at codon 111 of the PLVAP protein (p.Arg111His). This variant is present in population databases (rs144117840, gnomAD 0.004%). This variant has not been reported in the literature in individuals affected with PLVAP-related conditions. Advanced modeling of protein sequence and biophysical properties (such as structural, functional, and spatial information, amino acid conservation, physicochemical variation, residue mobility, and thermodynamic stability) performed at Invitae indicates that this missense variant is expected to disrupt PLVAP protein function. In summary, the available evidence is currently insufficient to determine the role of this variant in disease. Therefore, it has been classified as a Variant of Uncertain Significance.

NM_031310.3(PLVAP):c.332G>A (p.Arg111His)

Gene: PLVAP (plasmalemma vesicle associated protein; minus strand). Cytogenetic location: 19p13.11.
Variant type: single nucleotide variant.
Coding change: c.332G>A on transcript NM_031310.3 (MANE Select); coding-DNA position 332, G replaced by A.
Protein change: p.Arg111His; replaces arginine 111 with histidine.
Molecular consequence: missense variant.
Genome position (GRCh38, 1-based): chr19:17,376,957, C>T on the plus strand (G>A on the coding strand, the complement: PLVAP is on the minus strand). VCF-style: chr19-17376957-C-T. GRCh37 (hg19) VCF-style: chr19-17487766-C-T.
Other names: short protein forms R111H.
Identifiers: ClinVar variation 2896139 (VCV002896139.1), dbSNP rs144117840, ClinGen allele CA9294092.